The following is an entry in ClinVar:

ClinVar aggregate classification (germline): Uncertain significance (1 of 4 stars; one submission).

Conditions:
Rhabdoid tumor predisposition syndrome 2 (RTPS2). Identifiers: Orphanet 231108, Orphanet 69077, MedGen C2750074, MONDO:0013224, OMIM 613325.

Submission:

Labcorp Genetics (formerly Invitae), Labcorp
Classification: Uncertain significance for Rhabdoid tumor predisposition syndrome 2. Last evaluated: 2023-03-21. Review status: criteria provided, single submitter. Criteria: Invitae Variant Classification Sherloc (09022015). Collection method: clinical testing. Allele origin: germline.
Comment: This sequence change replaces glycine, which is neutral and non-polar, with serine, which is neutral and polar, at codon 15 of the SMARCA4 protein (p.Gly15Ser). This variant is not present in population databases (gnomAD no frequency). This variant has not been reported in the literature in individuals affected with SMARCA4-related conditions. Advanced modeling of protein sequence and biophysical properties (such as structural, functional, and spatial information, amino acid conservation, physicochemical variation, residue mobility, and thermodynamic stability) has been performed at Invitae for this missense variant, however the output from this modeling did not meet the statistical confidence thresholds required to predict the impact of this variant on SMARCA4 protein function. In summary, the available evidence is currently insufficient to determine the role of this variant in disease. Therefore, it has been classified as a Variant of Uncertain Significance.

NM_003072.5(SMARCA4):c.43G>A (p.Gly15Ser)

Gene: SMARCA4 (SWI/SNF related BAF chromatin remodeling complex subunit ATPase 4; plus strand). Cytogenetic location: 19p13.2.
Variant type: single nucleotide variant.
Coding change: c.43G>A on transcript NM_003072.5 (MANE Select); coding-DNA position 43, G replaced by A.
Protein change: p.Gly15Ser; replaces glycine 15 with serine.
Molecular consequence: missense variant. On other transcripts: non-coding transcript variant (1).
Genome position (GRCh38, 1-based): chr19:10,984,194, G>A. VCF-style: chr19-10984194-G-A. GRCh37 (hg19) VCF-style: chr19-11094870-G-A.
Other names: c.43G>A, p.Gly15Ser (NM_001128844.3, NM_001128845.2, NM_001128846.2 and 6 more transcripts); short protein forms G15S.
Identifiers: ClinVar variation 2846144 (VCV002846144.3), dbSNP rs2145721270, ClinGen allele CA404053961.
Genomic context (GRCh38, chr19:10,984,194, plus strand): 5'-TCTGCAGCTCCCGTGAAGATGTCCACTCCAGACCCACCCCTGGGCGGAACTCCTCGGCCA[G>A]GTCCTTCCCCGGGCCCTGGCCCTTCCCCTGGAGCCATGCTGGGCCCTAGCCCGGGTCCCT-3'
Protein context (NP_003063.2, residues 5-25): DPPLGGTPRP[Gly15Ser]PSPGPGPSPG